The following is an entry in ClinVar:

ClinVar aggregate classification (germline): Uncertain significance. Review status: criteria provided, multiple submitters, no conflicts (2 of 4 stars). 4 submissions from 4 submitters: Uncertain significance (3). 1 of the submissions does not count toward it. Last evaluated 2025-03-04.

Conditions:
Alport syndrome. Also called: Hemorrhagic familial nephritis; Hemorrhagic hereditary nephritis; Congenital hereditary hematuria. Identifiers: Orphanet 63, MedGen C1567741, MONDO:0018965.
Autosomal recessive Alport syndrome (ATS2). Also called: COL4A4 Alport Syndrome and Thin Basement Membrane Nephropathy; ALPORT SYNDROME 2, AUTOSOMAL RECESSIVE; Alport syndrome type 2; COL4A3-Related Nephropathy. Identifiers: Orphanet 63, Orphanet 88919, MedGen C4746745, MONDO:0008762, OMIM 203780.
Benign familial hematuria. Also called: thin basement membrane disease. Identifiers: MedGen C0241908, MONDO:0957317.

Allele frequency attached by ClinVar (database versions not stated): 1000 Genomes Project 30x 0.00031; ExAC 0.00004; gnomAD exomes 0.00004; 1000 Genomes Project 0.00020; gnomAD 0.00002; TOPMed 0.00002.
gnomAD v4.1: 134 of 1,611,768 alleles (0.0083%); highest among the groups gnomAD compares: Non-Finnish European, 0.011%; no homozygotes.

Submissions (4):

GeneDx
Classification: Uncertain significance. Last evaluated: 2025-03-04. Review status: criteria provided, single submitter. Criteria: GeneDx Variant Classification Process June 2021. Collection method: clinical testing. Allele origin: germline. Affected: yes.
Comment: In silico analysis indicates that this missense variant does not alter protein structure/function; Occurs in the triple helical domain at the X position in the canonical Gly-X-Y repeat; although this variant may have an effect on normal protein folding and function, missense substitution at the X position is not a common mechanism of disease; This variant is associated with the following publications: (PMID: 34515852)

Fulgent Genetics
Classification: Uncertain significance for Hematuria, benign familial, 1; Autosomal recessive Alport syndrome. Last evaluated: 2022-01-25. Review status: criteria provided, single submitter. Criteria: ACMG Guidelines, 2015. Collection method: clinical testing. Allele origin: unknown.

Laboratory for Molecular Medicine, Mass General Brigham Personalized Medicine
Classification: Uncertain significance. Last evaluated: 2018-04-11. Review status: criteria provided, single submitter. Criteria: LMM Criteria. Collection method: clinical testing. Allele origin: germline. Observed: 1 variant allele.
Comment: The p.Asp664Asn variant in COL4A4 has not been previously reported in individual s with hearing loss or Alport syndrome. This variant is present in 8/111668 Euro pean chromosomes by the Genome Aggregation Database (gnomAD; dbSNP rs201181725). Although this variant has been seen in the ge neral population, its frequency is not high enough to rule out a pathogenic role . Computational prediction tools and conservation analysis do not provide strong support for or against an impact to the protein. In summary, the clinical signi ficance of the p.Asp664Asn variant is uncertain. ACMG/AMP Criteria applied: PM2 _Supporting

Natera, Inc.
Classification: Uncertain significance for Alport syndrome. Last evaluated: 2020-08-25. Review status: no assertion criteria provided. Collection method: clinical testing. Allele origin: germline. Not counted in ClinVar's aggregate classification.

NM_000092.5(COL4A4):c.1990G>A (p.Asp664Asn)

Gene: COL4A4 (collagen type IV alpha 4 chain; minus strand). Cytogenetic location: 2q36.3.
Variant type: single nucleotide variant.
Coding change: c.1990G>A on transcript NM_000092.5 (MANE Select); coding-DNA position 1990, G replaced by A.
Protein change: p.Asp664Asn; replaces aspartic acid 664 with asparagine.
Molecular consequence: missense variant.
Genome position (GRCh38, 1-based): chr2:227,062,596, C>T on the plus strand (G>A on the coding strand, the complement: COL4A4 is on the minus strand). VCF-style: chr2-227062596-C-T. GRCh37 (hg19) VCF-style: chr2-227927312-C-T.
Other names: short protein forms D664N.
Identifiers: ClinVar variation 667223 (VCV000667223.10), dbSNP rs201181725, ClinGen allele CA2144988.
Genomic context (GRCh38, chr2:227,062,596, plus strand): 5'-GTCCATCAAAACCTGGAGGGCCATGCCTCCCAGGGTAGGTTACGTTGCAAGAAATTGTGT[C>T]ACCTGCAATGAGAAAAGAAAAGCGGCATTCACATAACTGATAGCCCAGTGCAATGTGAGT-3'
Protein context (NP_000083.3, residues 654-674): GPDGLKGQKG[Asp664Asn]TISCNVTYPG